The following is an entry in ClinVar:

NM_002591.4(PCK1):c.1268C>T (p.Pro423Leu)

Gene: PCK1 (phosphoenolpyruvate carboxykinase 1; plus strand). Cytogenetic location: 20q13.31.
Variant type: single nucleotide variant.
Coding change: c.1268C>T on transcript NM_002591.4 (MANE Select); coding-DNA position 1268, C replaced by T.
Protein change: p.Pro423Leu; replaces proline 423 with leucine.
Molecular consequence: missense variant.
Genome position (GRCh38, 1-based): chr20:57,564,563, C>T. VCF-style: chr20-57564563-C-T. GRCh37 (hg19) VCF-style: chr20-56139619-C-T.
Other names: short protein forms P423L.
Identifiers: ClinVar variation 1474811 (VCV001474811.7), dbSNP rs148603002, ClinGen allele CA9922335.

ClinVar aggregate classification (germline): Conflicting classifications of pathogenicity. Review status: criteria provided, conflicting classifications (1 of 4 stars). 3 submissions from 3 submitters: Likely pathogenic (1); Uncertain significance (1). 1 of the submissions does not count toward it. Last evaluated 2025-07-09.

Conditions:
Phosphoenolpyruvate carboxykinase deficiency, cytosolic (PCKDC). Also called: PCK1 DEFICIENCY, CYTOSOLIC; PEPCK DEFICIENCY, CYTOSOLIC. Identifiers: Orphanet 2880, MedGen C5574905, MONDO:0009866, OMIM 261680.

Allele frequency attached by ClinVar (database versions not stated): gnomAD 0.00007 and 0.00010; TOPMed 0.00008; gnomAD exomes 0.00012 and 0.00013; ESP Exome Variant Server 0.00015; ExAC 0.00016; 1000 Genomes Project 30x 0.00047; 1000 Genomes Project 0.00060.
gnomAD v4.1: 193 of 1,613,032 alleles (0.012%); highest among the groups gnomAD compares: Middle Eastern, 0.12%; 3 homozygotes.

Submissions (3):

First Genomix Gene Laboratory, Genetic Diagnostics Department
Classification: Likely pathogenic for Phosphoenolpyruvate carboxykinase deficiency, cytosolic. Last evaluated: 2025-07-09. Review status: criteria provided, single submitter. Criteria: ACMG Guidelines, 2015. Collection method: clinical testing. Allele origin: germline. Inheritance: Autosomal recessive inheritance. Affected: no. Observed: 1 variant allele.

Labcorp Genetics (formerly Invitae), Labcorp
Classification: Uncertain significance. Last evaluated: 2022-11-11. Review status: criteria provided, single submitter. Criteria: Invitae Variant Classification Sherloc (09022015). Collection method: clinical testing. Allele origin: germline.
Comment: In summary, the available evidence is currently insufficient to determine the role of this variant in disease. Therefore, it has been classified as a Variant of Uncertain Significance. Advanced modeling of protein sequence and biophysical properties (such as structural, functional, and spatial information, amino acid conservation, physicochemical variation, residue mobility, and thermodynamic stability) performed at Invitae indicates that this missense variant is not expected to disrupt PCK1 protein function. ClinVar contains an entry for this variant (Variation ID: 1474811). This variant has not been reported in the literature in individuals affected with PCK1-related conditions. This variant is present in population databases (rs148603002, gnomAD 0.05%). This sequence change replaces proline, which is neutral and non-polar, with leucine, which is neutral and non-polar, at codon 423 of the PCK1 protein (p.Pro423Leu).

Fatma Al Jasmi Lab, United Arab Emirates University
Classification: Pathogenic for Phosphoenolpyruvate carboxykinase deficiency, cytosolic. Review status: no assertion criteria provided. Collection method: clinical testing. Allele origin: inherited. Inheritance: Autosomal recessive inheritance. Affected: yes. Observed: 2 homozygotes. Clinical features observed: Encephalopathy (HP:0001298), Respiratory distress (HP:0002098), Seizure (HP:0001250), Lower limb hypertonia (HP:0006895), Hyperreflexia (HP:0001347), Microcephaly (HP:0000252), Global developmental delay (HP:0001263), Vomiting (HP:0002013), Recurrent urinary tract infections (HP:0000010), Asthma (HP:0002099), Hepatomegaly (HP:0002240), Hypoglycemia (HP:0001943), and 1 more. Not counted in ClinVar's aggregate classification.